The following is an entry in ClinVar:

NM_002161.6(IARS1):c.337A>T (p.Ile113Phe)

Gene: IARS1 (isoleucyl-tRNA synthetase 1; minus strand). Cytogenetic location: 9q22.31.
Variant type: single nucleotide variant.
Coding change: c.337A>T on transcript NM_002161.6 (MANE Select); coding-DNA position 337, A replaced by T.
Protein change: p.Ile113Phe; replaces isoleucine 113 with phenylalanine.
Molecular consequence: missense variant. On other transcripts: non-coding transcript variant (1).
Genome position (GRCh38, 1-based): chr9:92,287,850, T>A on the plus strand (A>T on the coding strand, the complement: IARS1 is on the minus strand). VCF-style: chr9-92287850-T-A. GRCh37 (hg19) VCF-style: chr9-95050132-T-A.
Other names: c.337A>T, p.Ile113Phe (NM_001374299.1, NM_001374300.1, NM_001374301.1 and 15 more transcripts); c.400A>T, p.Ile134Phe (NM_001378569.1); c.214A>T, p.Ile72Phe (NM_001378583.1); c.337A>T (NM_013417.2); short protein forms I113F, I134F, I72F.
Identifiers: ClinVar variation 1302168 (VCV001302168.3), dbSNP rs144963475, ClinGen allele CA5122998.
Genomic context (GRCh38, chr9:92,287,850, plus strand): 5'-CCTTCCACTCAGCAGAATATCTCATCACAATTGCTCGGCACTGATTGTTATACTCTGTAA[T>A]CCCCATTTTGGCCACATCCTCTGGTCCTCTGATTCCCAGTGTCTTATCAATTTCATATTC-3'
Protein context (NP_002152.2, residues 103-123): RGPEDVAKMG[Ile113Phe]TEYNNQCRAI

ClinVar aggregate classification (germline): Uncertain significance. Review status: criteria provided, multiple submitters, no conflicts (2 of 4 stars). 2 submissions from 2 submitters: Uncertain significance (2). Last evaluated 2025-03-27.

Allele frequency attached by ClinVar (database versions not stated): gnomAD exomes 0.00002; TOPMed 0.00003; gnomAD 0.00004 and 0.00005; ExAC 0.00002; ESP Exome Variant Server 0.00008.
gnomAD v4.1: 29 of 1,613,800 alleles (0.0018%); highest among the groups gnomAD compares: South Asian, 0.015%; no homozygotes.

Submissions (2):

Ambry Genetics
Classification: Uncertain significance. Last evaluated: 2025-03-27. Review status: criteria provided, single submitter. Criteria: Ambry Variant Classification Scheme 2023. Collection method: clinical testing. Allele origin: germline.

GeneDx
Classification: Uncertain significance. Last evaluated: 2019-06-13. Review status: criteria provided, single submitter. Criteria: GeneDx Variant Classification Process June 2021. Collection method: clinical testing. Allele origin: germline. Affected: yes.
Comment: In silico analysis, which includes protein predictors and evolutionary conservation, supports a deleterious effect; Has not been previously published as pathogenic or benign to our knowledge